The following is an entry in ClinVar:

ClinVar aggregate classification (germline): Pathogenic (1 of 4 stars; one submission).

Conditions:
Charcot-Marie-Tooth disease type 4. Also called: Charcot-Marie-Tooth disease, type IV; Charcot-Marie-Tooth, Type 4. Identifiers: Orphanet 64749, MedGen C4082197, MONDO:0018995.

Submission:

Labcorp Genetics (formerly Invitae), Labcorp
Classification: Pathogenic for Charcot-Marie-Tooth disease type 4. Last evaluated: 2021-09-18. Review status: criteria provided, single submitter. Criteria: Invitae Variant Classification Sherloc (09022015). Collection method: clinical testing. Allele origin: germline.
Comment: This variant has not been reported in the literature in individuals with FIG4-related conditions. This sequence change creates a premature translational stop signal (p.Tyr164Thrfs*26) in the FIG4 gene. It is expected to result in an absent or disrupted protein product. This variant is present in population databases (rs769986219, ExAC 0.002%). Loss-of-function variants in FIG4 are known to be pathogenic (PMID: 23623387). For these reasons, this variant has been classified as Pathogenic.

Literature cited by the submitters: PubMed 23623387.

NM_014845.6(FIG4):c.490del (p.Tyr164fs)

Gene: FIG4 (FIG4 phosphoinositide 5-phosphatase; plus strand). Cytogenetic location: 6q21.
Variant type: Deletion.
Coding change: c.490del on transcript NM_014845.6 (MANE Select); coding-DNA position 490, one base deleted (T; older notation c.490delT).
Protein change: p.Tyr164fs; shifts the reading frame from tyrosine 164.
Molecular consequence: frameshift variant.
Genome position (GRCh38, 1-based): chr6:109,732,680, T deleted; the last of 5 consecutive T bases (chr6:109,732,676-109,732,680); deleting any one gives the same sequence. VCF-style (leftmost placement, unchanged base first): chr6-109732675-AT-A. GRCh37 (hg19) VCF-style: chr6-110053878-AT-A.
Other names: short protein forms Y164fs.
Identifiers: ClinVar variation 858779 (VCV000858779.8), dbSNP rs769986219, ClinGen allele CA3955802.
Genomic context (GRCh38, chr6:109,732,675, plus strand): 5'-TACTTTGTTTTTTTTTTTTTAGGTATCTACGAATATTTCAAAATGTGGACCTATCTAGCA[AT>A]TTTTACTTTAGGTAAGTGTGAGGTTAGTTTTGCTCCTATCAATCACATAAACTTTTATAT-3'